The following is an entry in ClinVar:

ClinVar aggregate classification (germline): Uncertain significance (1 of 4 stars; one submission).

Conditions:
Gorlin syndrome. Also called: Nevoid Basal Cell Carcinoma Syndrome; Basal cell nevus syndrome. Identifiers: Orphanet 377, MedGen C0004779, MONDO:0007187.

Submission:

Labcorp Genetics (formerly Invitae), Labcorp
Classification: Uncertain significance for Gorlin syndrome. Last evaluated: 2023-07-22. Review status: criteria provided, single submitter. Criteria: Invitae Variant Classification Sherloc (09022015). Collection method: clinical testing. Allele origin: germline.
Comment: In summary, the available evidence is currently insufficient to determine the role of this variant in disease. Therefore, it has been classified as a Variant of Uncertain Significance. An algorithm developed to predict the effect of missense changes on protein structure and function (PolyPhen-2) suggests that this variant is likely to be tolerated. This variant has not been reported in the literature in individuals affected with PTCH2-related conditions. This variant is not present in population databases (gnomAD no frequency). This sequence change replaces methionine, which is neutral and non-polar, with isoleucine, which is neutral and non-polar, at codon 176 of the PTCH2 protein (p.Met176Ile).

NM_003738.5(PTCH2):c.528G>A (p.Met176Ile)

Gene: PTCH2 (patched 2; minus strand). Cytogenetic location: 1p34.1.
Variant type: single nucleotide variant.
Coding change: c.528G>A on transcript NM_003738.5 (MANE Select); coding-DNA position 528, G replaced by A.
Protein change: p.Met176Ile; replaces methionine 176 with isoleucine.
Molecular consequence: missense variant.
Genome position (GRCh38, 1-based): chr1:44,831,795, C>T on the plus strand (G>A on the coding strand, the complement: PTCH2 is on the minus strand). VCF-style: chr1-44831795-C-T. GRCh37 (hg19) VCF-style: chr1-45297467-C-T.
Other names: c.528G>A, p.Met176Ile (NM_001166292.2); short protein forms M176I.
Identifiers: ClinVar variation 2881557 (VCV002881557.3), dbSNP rs1264596906, ClinGen allele CA340107938.